The following is an entry in ClinVar:

ClinVar aggregate classification (germline): Uncertain significance (1 of 4 stars; one submission).

Conditions:
Hereditary cancer-predisposing syndrome. Also called: Neoplastic Syndromes, Hereditary; Tumor predisposition; Hereditary Cancer Syndrome; Hereditary neoplastic syndrome. Identifiers: Orphanet 140162, MedGen C0027672, MeSH D009386, MONDO:0015356.

Submission:

Color Diagnostics, LLC DBA Color Health
Classification: Uncertain significance for Hereditary cancer-predisposing syndrome. Last evaluated: 2023-12-04. Review status: criteria provided, single submitter. Criteria: ACMG Guidelines, 2015. Collection method: clinical testing. Allele origin: germline.
Comment: This missense variant replaces phenylalanine with leucine at codon 591 of the BRIP1 protein. Computational prediction suggests that this variant may not impact protein structure and function (internally defined REVEL score threshold <= 0.5, PMID: 27666373). To our knowledge, functional studies have not been reported for this variant. This variant has not been reported in individuals affected with BRIP1-related disorders in the literature. This variant has not been identified in the general population by the Genome Aggregation Database (gnomAD). The available evidence is insufficient to determine the role of this variant in disease conclusively. Therefore, this variant is classified as a Variant of Uncertain Significance.

NM_032043.3(BRIP1):c.1773T>A (p.Phe591Leu)

Gene: BRIP1 (BRCA1 interacting DNA helicase 1; minus strand). Cytogenetic location: 17q23.2.
Variant type: single nucleotide variant.
Coding change: c.1773T>A on transcript NM_032043.3 (MANE Select); coding-DNA position 1773, T replaced by A.
Protein change: p.Phe591Leu; replaces phenylalanine 591 with leucine.
Molecular consequence: missense variant.
Genome position (GRCh38, 1-based): chr17:61,780,861, A>T on the plus strand (T>A on the coding strand, the complement: BRIP1 is on the minus strand). VCF-style: chr17-61780861-A-T. GRCh37 (hg19) VCF-style: chr17-59858222-A-T.
Other names: short protein forms F591L.
Identifiers: ClinVar variation 922790 (VCV000922790.4), dbSNP rs1057523507, ClinGen allele CA400480287.
Genomic context (GRCh38, chr17:61,780,861, plus strand): 5'-AGCAAGAAGACAAAATTTCCATTTACATGATGAGCTTACCACAGCTGGATTTAAGCACCA[A>T]AAGTTTAGCACATGAACTGCAGTTTTCTGTCGTGAACGTTTCTTATTTTTTGGTAGAACC-3'
Protein context (NP_114432.2, residues 581-601): RQKTAVHVLN[Phe591Leu]WCLNPAVAFS